The following is an entry in ClinVar:

ClinVar aggregate classification (germline): Uncertain significance (1 of 4 stars; one submission).

Allele frequency attached by ClinVar (database versions not stated): gnomAD exomes 0.00001.

Submission:

Labcorp Genetics (formerly Invitae), Labcorp
Classification: Uncertain significance. Last evaluated: 2022-05-22. Review status: criteria provided, single submitter. Criteria: Invitae Variant Classification Sherloc (09022015). Collection method: clinical testing. Allele origin: germline.
Comment: In summary, the available evidence is currently insufficient to determine the role of this variant in disease. Therefore, it has been classified as a Variant of Uncertain Significance. Advanced modeling of protein sequence and biophysical properties (such as structural, functional, and spatial information, amino acid conservation, physicochemical variation, residue mobility, and thermodynamic stability) performed at Invitae indicates that this missense variant is not expected to disrupt COL9A1 protein function. This variant has not been reported in the literature in individuals affected with COL9A1-related conditions. This variant is present in population databases (no rsID available, gnomAD 0.006%). This sequence change replaces leucine, which is neutral and non-polar, with serine, which is neutral and polar, at codon 830 of the COL9A1 protein (p.Leu830Ser).

NM_001851.6(COL9A1):c.2489T>C (p.Leu830Ser)

Gene: COL9A1 (collagen type IX alpha 1 chain; minus strand). Cytogenetic location: 6q13.
Variant type: single nucleotide variant.
Coding change: c.2489T>C on transcript NM_001851.6 (MANE Select); coding-DNA position 2489, T replaced by C.
Protein change: p.Leu830Ser; replaces leucine 830 with serine.
Molecular consequence: missense variant. On other transcripts: non-coding transcript variant (1).
Genome position (GRCh38, 1-based): chr6:70,232,597, A>G on the plus strand (T>C on the coding strand, the complement: COL9A1 is on the minus strand). VCF-style: chr6-70232597-A-G. GRCh37 (hg19) VCF-style: chr6-70942300-A-G.
Other names: c.1790T>C, p.Leu597Ser (NM_001377289.1); c.1613T>C, p.Leu538Ser (NM_001377290.1); c.1760T>C, p.Leu587Ser (NM_078485.4); short protein forms L587S, L597S, L830S, L538S.
Identifiers: ClinVar variation 2097116 (VCV002097116.2), dbSNP rs1337392484, ClinGen allele CA364671543.